The following is an entry in ClinVar:

ClinVar aggregate classification (germline): Likely benign. Review status: criteria provided, multiple submitters, no conflicts (2 of 4 stars). 2 submissions from 2 submitters: Likely benign (2). Last evaluated 2024-10-25.

Allele frequency attached by ClinVar (database versions not stated): ExAC 0.00023; gnomAD 0.00001 and 0.00004; TOPMed 0.00003; gnomAD exomes 0.00011 and 0.00019; 1000 Genomes Project 30x 0.00016; 1000 Genomes Project 0.00020.
gnomAD v4.1: 176 of 1,610,840 alleles (0.011%); highest among the groups gnomAD compares: South Asian, 0.11%; 4 homozygotes.

Submissions (2):

Labcorp Genetics (formerly Invitae), Labcorp
Classification: Likely benign. Last evaluated: 2024-10-25. Review status: criteria provided, single submitter. Criteria: Invitae Variant Classification Sherloc (09022015). Collection method: clinical testing. Allele origin: germline.

CeGaT Center for Human Genetics Tuebingen
Classification: Likely benign. Last evaluated: 2022-06-01. Review status: criteria provided, single submitter. Criteria: CeGaT Center For Human Genetics Tuebingen Variant Classification Criteria Version 2. Collection method: clinical testing. Allele origin: germline. Affected: yes. Observed: 1 variant allele.
Comment: CLDN14: BP4, BP7

NM_001146079.2(CLDN14):c.105C>T (p.His35=)

Genes: CLDN14 (claudin 14; minus strand), CLDN14-AS1 (CLDN14 antisense RNA 1; plus strand). Cytogenetic location: 21q22.13.
Variant type: single nucleotide variant.
Coding change: c.105C>T on transcript NM_001146079.2 (MANE Select); coding-DNA position 105, C replaced by T.
Protein change: p.His35=; no amino-acid change (histidine 35 retained).
Molecular consequence: synonymous variant.
Genome position (GRCh38, 1-based): chr21:36,461,591, G>A on the plus strand (C>T on the coding strand, the complement: CLDN14 is on the minus strand). VCF-style: chr21-36461591-G-A. GRCh37 (hg19) VCF-style: chr21-37833889-G-A.
Other names: c.105C>T, p.His35= (NM_001146077.2, NM_001146078.3, NM_012130.4 and 1 more transcripts).
Identifiers: ClinVar variation 1695028 (VCV001695028.36), dbSNP rs560763542, ClinGen allele CA10019342.
Genomic context (GRCh38, chr21:36,461,591, plus strand): 5'-CACACACTCCATCCAGAGCCCTTTCAGGTAGGACACGGCCGTGAGGATGTTGGTGCCCAC[G>A]TGCGCTGTCCTCCGCCAGTGCGGCAGGATGGTGGTGATCAACGTGCCCACCATGCCCAGG-3'
Protein context (NP_001139551.1, residues 25-45): TILPHWRRTA[His35=]VGTNILTAVS